The following is an entry in ClinVar:

NM_080680.3(COL11A2):c.4758C>G (p.Tyr1586Ter)

Gene: COL11A2 (collagen type XI alpha 2 chain; minus strand). Cytogenetic location: 6p21.32.
Variant type: single nucleotide variant.
Coding change: c.4758C>G on transcript NM_080680.3 (MANE Select); coding-DNA position 4758, C replaced by G.
Protein change: p.Tyr1586Ter; replaces tyrosine 1586 with a stop codon.
Molecular consequence: nonsense.
Genome position (GRCh38, 1-based): chr6:33,164,957, G>C on the plus strand (C>G on the coding strand, the complement: COL11A2 is on the minus strand). VCF-style: chr6-33164957-G-C. GRCh37 (hg19) VCF-style: chr6-33132734-G-C.
Other names: c.4578C>G, p.Tyr1526Ter (NM_001424108.1); c.3912C>G, p.Tyr1304Ter (NM_001424109.1); c.3732C>G, p.Tyr1244Ter (NM_001424110.1, NM_001424111.1); c.2712C>G, p.Tyr904Ter (NM_001424112.1); c.4437C>G, p.Tyr1479Ter (NM_080679.3); c.4500C>G, p.Tyr1500Ter (NM_080681.3); short protein forms Y1244*, Y1526*, Y904*, Y1479*, Y1500*, Y1586*, Y1304*.
Identifiers: ClinVar variation 2696254 (VCV002696254.3), dbSNP rs1181790213, ClinGen allele CA363617887.

ClinVar aggregate classification (germline): Pathogenic (1 of 4 stars; one submission).

gnomAD v4.1: 2 of 1,572,302 alleles (0.00013%); highest among the groups gnomAD compares: Non-Finnish European, 0.00017%; no homozygotes.

Submission:

Labcorp Genetics (formerly Invitae), Labcorp
Classification: Pathogenic. Last evaluated: 2023-11-15. Review status: criteria provided, single submitter. Criteria: Invitae Variant Classification Sherloc (09022015). Collection method: clinical testing. Allele origin: germline.
Comment: This sequence change creates a premature translational stop signal (p.Tyr1586*) in the COL11A2 gene. It is expected to result in an absent or disrupted protein product. Loss-of-function variants in COL11A2 are known to be pathogenic (PMID: 10677296, 21204229). This variant is not present in population databases (gnomAD no frequency). This variant has not been reported in the literature in individuals affected with COL11A2-related conditions. For these reasons, this variant has been classified as Pathogenic.

Literature cited by the submitters: PubMed 10677296; PubMed 21204229.